The following is an entry in ClinVar:

NM_001130823.3(DNMT1):c.3031C>T (p.Arg1011Trp)

Gene: DNMT1 (DNA methyltransferase 1; minus strand). Cytogenetic location: 19p13.2.
Variant type: single nucleotide variant.
Coding change: c.3031C>T on transcript NM_001130823.3 (MANE Select); coding-DNA position 3031, C replaced by T.
Protein change: p.Arg1011Trp; replaces arginine 1011 with tryptophan.
Molecular consequence: missense variant.
Genome position (GRCh38, 1-based): chr19:10,143,851, G>A on the plus strand (C>T on the coding strand, the complement: DNMT1 is on the minus strand). VCF-style: chr19-10143851-G-A. GRCh37 (hg19) VCF-style: chr19-10254527-G-A.
Other names: c.3031C>T (LRG_362t1); c.2983C>T, p.Arg995Trp (NM_001318730.2, NM_001379.4); c.2668C>T, p.Arg890Trp (NM_001318731.2); short protein forms R1011W, R995W, R890W.
Identifiers: ClinVar variation 234804 (VCV000234804.10), dbSNP rs876661227, ClinGen allele CA10577586.

ClinVar aggregate classification (germline): Uncertain significance. Review status: criteria provided, multiple submitters, no conflicts (2 of 4 stars). 3 submissions from 3 submitters: Uncertain significance (3). Last evaluated 2025-11-11.

Conditions:
Hereditary sensory neuropathy-deafness-dementia syndrome. Also called: Hereditary Sensory and Autonomic Neuropathy Type 1E (HSAN1E); Hereditary sensory neuropathy type IE; NEUROPATHY, HEREDITARY SENSORY, WITH HEARING LOSS AND DEMENTIA; HSN IE. Identifiers: Orphanet 456318, MedGen C3279885, MONDO:0013584, OMIM 614116.

Allele frequency attached by ClinVar (database versions not stated): gnomAD 0.00001; TOPMed 0.00001.
gnomAD v4.1: 6 of 1,613,994 alleles (0.00037%); highest among the groups gnomAD compares: Non-Finnish European, 0.00051%; no homozygotes.

Submissions (3):

Labcorp Genetics (formerly Invitae), Labcorp
Classification: Uncertain significance for Hereditary sensory neuropathy-deafness-dementia syndrome. Last evaluated: 2025-11-11. Review status: criteria provided, single submitter. Criteria: Invitae Variant Classification Sherloc (09022015). Collection method: clinical testing. Allele origin: germline.
Comment: This sequence change replaces arginine, which is basic and polar, with tryptophan, which is neutral and slightly polar, at codon 1011 of the DNMT1 protein (p.Arg1011Trp). This variant is present in population databases (no rsID available, gnomAD 0.007%). This variant has not been reported in the literature in individuals affected with DNMT1-related conditions. ClinVar contains an entry for this variant (Variation ID: 234804). Invitae Evidence Modeling of protein sequence and biophysical properties (such as structural, functional, and spatial information, amino acid conservation, physicochemical variation, residue mobility, and thermodynamic stability) has been performed for this missense variant. However, the output from this modeling did not meet the statistical confidence thresholds required to predict the impact of this variant on DNMT1 protein function. In summary, the available evidence is currently insufficient to determine the role of this variant in disease. Therefore, it has been classified as a Variant of Uncertain Significance.

AiLife Diagnostics
Classification: Uncertain significance. Last evaluated: 2022-03-23. Review status: criteria provided, single submitter. Criteria: ACMG Guidelines, 2015. Collection method: clinical testing. Allele origin: germline. Affected: yes. Observed: 1 variant allele.

GeneDx
Classification: Uncertain significance. Last evaluated: 2016-02-09. Review status: criteria provided, single submitter. Criteria: GeneDx Variant Classification (06012015). Collection method: clinical testing. Allele origin: germline. Affected: yes.
Comment: The R1011W variant has not been published as a pathogenic variant, nor has it been reported as a benign variant to our knowledge. It was not observed in approximately 6,500 individuals of European and African American ancestry in the NHLBI Exome Sequencing Project, indicating it is not a common benign variant in these populations. The R1011W variant is a non-conservative amino acid substitution, which is likely to impact secondary protein structure as these residues differ in polarity, charge, size and/or other properties. In silico analysis predicts this variant is probably damaging to the protein structure/function. However, this substitution occurs at a position outside the targeting sequencing domain that is not conserved. Therefore, based on the currently available information, it is unclear whether this variant is a pathogenic variant or a rare benign variant.